The following is an entry in ClinVar:

ClinVar aggregate classification (germline): Benign/Likely benign. Review status: criteria provided, multiple submitters, no conflicts (2 of 4 stars). 3 submissions from 3 submitters: Benign (1); Likely benign (2). Last evaluated 2025-10-08.

Conditions:
Fanconi anemia (FA). Also called: Fanconi's anemia. Identifiers: Orphanet 84, MedGen C0015625, MeSH D005199, MONDO:0019391.
Fanconi anemia complementation group C (FANCC). Also called: Fanconi anemia, group C; FANCC-Related Fanconi Anemia; FANCONI PANCYTOPENIA, TYPE 3; FACC. Identifiers: Orphanet 84, MedGen C3468041, MONDO:0009213, OMIM 227645.

Allele frequency attached by ClinVar (database versions not stated): gnomAD 0.00001; TOPMed 0.00002; gnomAD exomes 0.00012; ExAC 0.00016.
gnomAD v4.1: 43 of 1,612,302 alleles (0.0027%); highest among the groups gnomAD compares: Admixed American, 0.02%; no homozygotes.

Submissions (3):

Labcorp Genetics (formerly Invitae), Labcorp
Classification: Likely benign for Fanconi anemia. Last evaluated: 2025-10-08. Review status: criteria provided, single submitter. Criteria: Invitae Variant Classification Sherloc (09022015). Collection method: clinical testing. Allele origin: germline.

Fulgent Genetics
Classification: Likely benign for Fanconi anemia complementation group C. Last evaluated: 2022-04-12. Review status: criteria provided, single submitter. Criteria: ACMG Guidelines, 2015. Collection method: clinical testing. Allele origin: unknown.

GeneDx
Classification: Benign. Last evaluated: 2015-05-08. Review status: criteria provided, single submitter. Criteria: GeneDx Variant Classification (06012015). Collection method: clinical testing. Allele origin: germline. Affected: yes.
Comment: This variant is considered likely benign or benign based on one or more of the following criteria: it is a conservative change, it occurs at a poorly conserved position in the protein, it is predicted to be benign by multiple in silico algorithms, and/or has population frequency not consistent with disease.

NM_000136.3(FANCC):c.687-15A>C

Genes: FANCC (FA complementation group C; minus strand), AOPEP (aminopeptidase O (putative); plus strand). Cytogenetic location: 9q22.32.
Variant type: single nucleotide variant.
Coding change: c.687-15A>C on transcript NM_000136.3 (MANE Select); 15 bases into the intron before coding-DNA position 687, A replaced by C.
Molecular consequence: intron variant.
Genome position (GRCh38, 1-based): chr9:95,135,517, T>G on the plus strand (A>C on the coding strand, the complement: FANCC is on the minus strand). VCF-style: chr9-95135517-T-G. GRCh37 (hg19) VCF-style: chr9-97897799-T-G.
Other names: c.687-15A>C (NM_001243743.2, NM_001243744.2).
Identifiers: ClinVar variation 377844 (VCV000377844.9), dbSNP rs765327075, ClinGen allele CA5137653.
Genomic context (GRCh38, chr9:95,135,517, plus strand): 5'-AAGCCAGAGGCAGACTACAGCTGACATGGGGAGAGAAATCTTCTTCCTTTCAGAAAGAAA[T>G]AAACAAAATTTTAAACAGAAATGGCTCACTGAAAAAAGAAGATTAAAAAAAGTTCAAAAT-3'